The following is an entry in ClinVar:

NM_198578.4(LRRK2):c.6913G>C (p.Glu2305Gln)

Gene: LRRK2 (leucine rich repeat kinase 2; plus strand). Cytogenetic location: 12q12.
Variant type: single nucleotide variant.
Coding change: c.6913G>C on transcript NM_198578.4 (MANE Select); coding-DNA position 6913, G replaced by C.
Protein change: p.Glu2305Gln; replaces glutamic acid 2305 with glutamine.
Molecular consequence: missense variant.
Genome position (GRCh38, 1-based): chr12:40,359,329, G>C. VCF-style: chr12-40359329-G-C. GRCh37 (hg19) VCF-style: chr12-40753131-G-C.
Other names: short protein forms E2305Q.
Identifiers: ClinVar variation 3229762 (VCV003229762.1), dbSNP rs2500012169, ClinGen allele CA384411645.

ClinVar aggregate classification (germline): Uncertain significance (1 of 4 stars; one submission).

Conditions:
Inborn genetic diseases. Identifiers: MedGen C0950123, MeSH D030342.

Submission:

Ambry Genetics
Classification: Uncertain significance for Inborn genetic diseases. Last evaluated: 2024-01-20. Review status: criteria provided, single submitter. Criteria: Ambry Variant Classification Scheme 2023. Collection method: clinical testing. Allele origin: germline.
Comment: The p.E2305Q variant (also known as c.6913G>C), located in coding exon 47 of the LRRK2 gene, results from a G to C substitution at nucleotide position 6913. The glutamic acid at codon 2305 is replaced by glutamine, an amino acid with highly similar properties. This amino acid position is conserved. In addition, the in silico prediction for this alteration is inconclusive. Based on the available evidence, the clinical significance of this alteration remains unclear.